The following is an entry in ClinVar:

NM_005120.3(MED12):c.5950C>T (p.Leu1984Phe)

Gene: MED12 (mediator complex subunit 12; plus strand). Cytogenetic location: Xq13.1.
Variant type: single nucleotide variant.
Coding change: c.5950C>T on transcript NM_005120.3 (MANE Select); coding-DNA position 5950, C replaced by T.
Protein change: p.Leu1984Phe; replaces leucine 1984 with phenylalanine.
Molecular consequence: missense variant.
Genome position (GRCh38, 1-based): chrX:71,137,849, C>T. VCF-style: chrX-71137849-C-T. GRCh37 (hg19) VCF-style: chrX-70357699-C-T.
Other names: short protein forms L1984F.
Identifiers: ClinVar variation 3629180 (VCV003629180.2).
Genomic context (GRCh38, chrX:71,137,849, plus strand): 5'-GTGCCCCCCAGCTACTCCAGCCAGCCTTACCAGAGCACCCACCCTTCTACCAATCCTACT[C>T]TTGTAGATCCTACCCGCCACCTGCAACAGCGGCCCAGTGGCTATGTGCACCAGCAGGCCC-3'
Protein context (NP_005111.2, residues 1974-1994): QSTHPSTNPT[Leu1984Phe]VDPTRHLQQR

ClinVar aggregate classification (germline): Uncertain significance (1 of 4 stars; one submission).

Conditions:
FG syndrome (FGS). Identifiers: MedGen C0220769, MONDO:0002010.

gnomAD v4.1: 1 of 1,211,739 alleles (0.000083%); highest among the groups gnomAD compares: Non-Finnish European, 0.00011%; no homozygotes.

Submission:

Labcorp Genetics (formerly Invitae), Labcorp
Classification: Uncertain significance for FG syndrome. Last evaluated: 2024-05-28. Review status: criteria provided, single submitter. Criteria: Invitae Variant Classification Sherloc (09022015). Collection method: clinical testing. Allele origin: germline.
Comment: This sequence change replaces leucine, which is neutral and non-polar, with phenylalanine, which is neutral and non-polar, at codon 1984 of the MED12 protein (p.Leu1984Phe). This variant is not present in population databases (gnomAD no frequency). This variant has not been reported in the literature in individuals affected with MED12-related conditions. Advanced modeling of protein sequence and biophysical properties (such as structural, functional, and spatial information, amino acid conservation, physicochemical variation, residue mobility, and thermodynamic stability) performed at Invitae indicates that this missense variant is not expected to disrupt MED12 protein function with a negative predictive value of 95%. In summary, the available evidence is currently insufficient to determine the role of this variant in disease. Therefore, it has been classified as a Variant of Uncertain Significance.